The following is an entry in ClinVar:

ClinVar aggregate classification (germline): Uncertain significance (1 of 4 stars; one submission).

gnomAD v4.1: 1 of 1,613,398 alleles (0.000062%); highest among the groups gnomAD compares: South Asian, 0.0011%; no homozygotes.

Submission:

GeneDx
Classification: Uncertain significance. Last evaluated: 2023-10-20. Review status: criteria provided, single submitter. Criteria: GeneDx Variant Classification Process June 2021. Collection method: clinical testing. Allele origin: germline. Affected: yes.
Comment: Not observed at significant frequency in large population cohorts (gnomAD); In silico analysis supports that this missense variant has a deleterious effect on protein structure/function; Has not been previously published as pathogenic or benign to our knowledge

NM_017780.4(CHD7):c.5473G>C (p.Asp1825His)

Gene: CHD7 (chromodomain helicase DNA binding protein 7; plus strand). Cytogenetic location: 8q12.2.
Variant type: single nucleotide variant.
Coding change: c.5473G>C on transcript NM_017780.4 (MANE Select); coding-DNA position 5473, G replaced by C.
Protein change: p.Asp1825His; replaces aspartic acid 1825 with histidine.
Molecular consequence: missense variant. On other transcripts: intron variant (1).
Genome position (GRCh38, 1-based): chr8:60,850,561, G>C. VCF-style: chr8-60850561-G-C. GRCh37 (hg19) VCF-style: chr8-61763120-G-C.
Other names: c.1717-11668G>C (NM_001316690.1); short protein forms D1825H.
Identifiers: ClinVar variation 3366274 (VCV003366274.1).